The following is an entry in ClinVar:

NM_001844.5(COL2A1):c.565G>T (p.Glu189Ter)

Gene: COL2A1 (collagen type II alpha 1 chain; minus strand). Cytogenetic location: 12q13.11.
Variant type: single nucleotide variant.
Coding change: c.565G>T on transcript NM_001844.5 (MANE Select); coding-DNA position 565, G replaced by T.
Protein change: p.Glu189Ter; replaces glutamic acid 189 with a stop codon.
Molecular consequence: nonsense.
Genome position (GRCh38, 1-based): chr12:47,996,592, C>A on the plus strand (G>T on the coding strand, the complement: COL2A1 is on the minus strand). VCF-style: chr12-47996592-C-A. GRCh37 (hg19) VCF-style: chr12-48390375-C-A.
Other names: c.358G>T, p.Glu120Ter (NM_033150.3); short protein forms E120*, E189*.
Identifiers: ClinVar variation 1805538 (VCV001805538.2), dbSNP rs2540177721, ClinGen allele CA384524217.

ClinVar aggregate classification (germline): Pathogenic. Review status: criteria provided, multiple submitters, no conflicts (2 of 4 stars). 2 submissions from 2 submitters: Pathogenic (2). Last evaluated 2025-05-02.

Conditions:
Stickler syndrome, type I, nonsyndromic ocular. Also called: STICKLER SYNDROME, ATYPICAL; STICKLER SYNDROME, TYPE I, PREDOMINANTLY OCULAR. Identifiers: MedGen C1836080, MONDO:0012287, OMIM 609508.
Stickler syndrome. Identifiers: Orphanet 828, MedGen C0265253, MONDO:0019354.

Submissions (2):

Cambridge Genomics Laboratory, East Genomic Laboratory Hub, NHS Genomic Medicine Service
Classification: Pathogenic for Stickler syndrome. Last evaluated: 2025-05-02. Review status: criteria provided, single submitter. Criteria: ACGS Best Practice Guidelines for Variant Classification in Rare Disease 2020. Collection method: clinical testing. Allele origin: germline. Affected: yes.
Comment: PVS1,PM2

Victorian Clinical Genetics Services, Murdoch Childrens Research Institute
Classification: Pathogenic for Stickler syndrome, type I, nonsyndromic ocular. Last evaluated: 2021-05-06. Review status: criteria provided, single submitter. Criteria: ACMG Guidelines, 2015. Collection method: clinical testing. Allele origin: germline. Inheritance: Autosomal dominant inheritance. Affected: yes.
Comment: Based on the classification scheme VCGS_Germline_v1.1.1, this variant is classified as Pathogenic. Following criteria are met: 0102 - Loss-of-function is a known mechanism of disease for this gene. (N) Variants resulting in a premature termination codon have been shown to result in haploinsufficiency (PMID: 17721977, PMID: 27234559, PMID: 20179744). (N) 0104 - Dominant Negative is a mechanism of disease for this gene. (N) Missense variants affecting glycine residues have been shown to cause a dominant negative disease mechanism (PMID: 15895462). (N) 0107 - This gene is known to be associated with autosomal dominant disease. However some cases of autosomal recessive inheritance have also been reported (PMID: 25060605, 26358419). (N) 0201 - Variant is predicted to cause nonsense-mediated decay (NMD) and loss of protein (exon 8 of 54). (P) 0251 - Variant is heterozygous. (N) 0301 - Variant is absent from gnomAD. (P) 0701 - Comparable variants have very strong previous evidence for pathogenicity. Other variants predicted to cause NMD have been reported as pathogenic (ClinVar). (P) 0807 - Variant has not previously been reported in a clinical context. (N) 0905 - No segregation evidence has been identified for this variant. (N) 1007 - No published functional evidence has been identified for this variant. (N) Legend: (P) - Pathogenic, (N) - Neutral, (B) - Benign

Literature cited by the submitters: PubMed 15895462 (cited by Victorian Clinical Genetics Services, Murdoch Childrens Research Institute); PubMed 17721977 (cited by Victorian Clinical Genetics Services, Murdoch Childrens Research Institute); PubMed 20179744 (cited by Victorian Clinical Genetics Services, Murdoch Childrens Research Institute); PubMed 25060605 (cited by Victorian Clinical Genetics Services, Murdoch Childrens Research Institute); PubMed 26358419 (cited by Victorian Clinical Genetics Services, Murdoch Childrens Research Institute); PubMed 27234559 (cited by Victorian Clinical Genetics Services, Murdoch Childrens Research Institute).